The following is an entry in ClinVar:

NM_015693.4(INTU):c.1880A>G (p.Gln627Arg)

Gene: INTU (inturned planar cell polarity protein; plus strand). Cytogenetic location: 4q28.1.
Variant type: single nucleotide variant.
Coding change: c.1880A>G on transcript NM_015693.4 (MANE Select); coding-DNA position 1880, A replaced by G.
Protein change: p.Gln627Arg; replaces glutamine 627 with arginine.
Molecular consequence: missense variant.
Genome position (GRCh38, 1-based): chr4:127,706,578, A>G. VCF-style: chr4-127706578-A-G. GRCh37 (hg19) VCF-style: chr4-128627733-A-G.
Other names: short protein forms Q627R.
Identifiers: ClinVar variation 2049546 (VCV002049546.7), dbSNP rs140878220, ClinGen allele CA3075211.

ClinVar aggregate classification (germline): Conflicting classifications of pathogenicity. Review status: criteria provided, conflicting classifications (1 of 4 stars). 3 submissions from 3 submitters: Uncertain significance (1); Likely benign (1). 1 of the submissions does not count toward it. Last evaluated 2025-12-14.

Conditions:
Inborn genetic diseases. Identifiers: MedGen C0950123, MeSH D030342.
INTU-related disorder. Also called: INTU-related condition.

Allele frequency attached by ClinVar (database versions not stated): TOPMed 0.00016; gnomAD 0.00021; ESP Exome Variant Server 0.00023; gnomAD exomes 0.00045; 1000 Genomes Project 30x 0.00078; ExAC 0.00081; 1000 Genomes Project 0.00100.
gnomAD v4.1: 698 of 1,614,060 alleles (0.043%); highest among the groups gnomAD compares: South Asian, 0.51%; 4 homozygotes.

Submissions (3):

Labcorp Genetics (formerly Invitae), Labcorp
Classification: Likely benign. Last evaluated: 2025-12-14. Review status: criteria provided, single submitter. Criteria: Invitae Variant Classification Sherloc (09022015). Collection method: clinical testing. Allele origin: germline.

Ambry Genetics
Classification: Uncertain significance for Inborn genetic diseases. Last evaluated: 2021-10-26. Review status: criteria provided, single submitter. Criteria: Ambry Variant Classification Scheme 2023. Collection method: clinical testing. Allele origin: germline.

PreventionGenetics, part of Exact Sciences
Classification: Likely benign for INTU-related condition. Last evaluated: 2022-05-25. Review status: no assertion criteria provided. Collection method: clinical testing. Allele origin: germline. Not counted in ClinVar's aggregate classification.
Comment: This variant is classified as likely benign based on ACMG/AMP sequence variant interpretation guidelines (Richards et al. 2015 PMID: 25741868, with internal and published modifications).